The following is an entry in ClinVar:

NM_003011.4(SET):c.225C>T (p.Ile75=)

Gene: SET (SET nuclear proto-oncogene; plus strand). Cytogenetic location: 9q34.11.
Variant type: single nucleotide variant.
Coding change: c.225C>T on transcript NM_003011.4 (MANE Select); coding-DNA position 225, C replaced by T.
Protein change: p.Ile75=; no amino-acid change (isoleucine 75 retained).
Molecular consequence: synonymous variant.
Genome position (GRCh38, 1-based): chr9:128,691,951, C>T. VCF-style: chr9-128691951-C-T. GRCh37 (hg19) VCF-style: chr9-131454230-C-T.
Other names: c.264C>T, p.Ile88= (NM_001122821.2, NM_001374326.1); c.198C>T, p.Ile66= (NM_001248000.2); c.192C>T, p.Ile64= (NM_001248001.2); c.264C>T (NM_001122821.1).
Identifiers: ClinVar variation 3026167 (VCV003026167.23), dbSNP rs148209973, ClinGen allele CA5266966.

ClinVar aggregate classification (germline): Likely benign. Review status: criteria provided, single submitter (1 of 4 stars). 2 submissions from 2 submitters: Likely benign (1). 1 of the submissions does not count toward it. Last evaluated 2024-01-01.

Conditions:
SET-related disorder. Also called: SET-related condition.

Allele frequency attached by ClinVar (database versions not stated): gnomAD 0.00001; TOPMed 0.00003; ExAC 0.00008; ESP Exome Variant Server 0.00008.
gnomAD v4.1: 40 of 1,613,716 alleles (0.0025%); highest among the groups gnomAD compares: Admixed American, 0.04%; no homozygotes.

Submissions (2):

CeGaT Center for Human Genetics Tuebingen
Classification: Likely benign. Last evaluated: 2024-01-01. Review status: criteria provided, single submitter. Criteria: CeGaT Center For Human Genetics Tuebingen Variant Classification Criteria Version 2. Collection method: clinical testing. Allele origin: germline. Affected: yes. Observed: 1 variant allele.
Comment: SET: BP4

PreventionGenetics, part of Exact Sciences
Classification: Likely benign for SET-related condition. Last evaluated: 2019-04-23. Review status: no assertion criteria provided. Collection method: clinical testing. Allele origin: germline. Not counted in ClinVar's aggregate classification.
Comment: This variant is classified as likely benign based on ACMG/AMP sequence variant interpretation guidelines (Richards et al. 2015 PMID: 25741868, with internal and published modifications).